The following is an entry in ClinVar:

NR_003051.3(RMRP):n.-21_-19dup

Gene: RMRP (RNA component of mitochondrial RNA processing endoribonuclease; minus strand). Cytogenetic location: 9p13.3.
Variant type: Microsatellite.
Genome position: GRCh38 VCF-style: chr9-35658036-G-GAGT. GRCh37 (hg19) VCF-style: chr9-35658033-G-GAGT.
Identifiers: ClinVar variation 550929 (VCV000550929.11), dbSNP rs1029136594, ClinGen allele CA192745773.
Genomic context (GRCh38, chr9:35,658,036, plus strand): 5'-GTCCTCAGTGTGTAGCCTAGGATACAGGCCTTCAGCACGAACCACGTCCTCAGCTTCACA[G>GAGT]AGTAGTATTTTATAGCCCTAAAGAAATTGTGTTTTATGATTAGGGTGAGAAAGTTGGTGG-3'

ClinVar aggregate classification (germline): Uncertain significance. Review status: criteria provided, multiple submitters, no conflicts (2 of 4 stars). 5 submissions from 5 submitters: Uncertain significance (3). 2 of the submissions do not count toward it. Last evaluated 2026-01-07.

Conditions:
Anauxetic dysplasia. Identifiers: Orphanet 93347, MedGen C1846796, MONDO:0011773.
Anauxetic dysplasia 1 (ANXD1). Also called: Anauxetic Dysplasia (AD). Identifiers: Orphanet 93347, MedGen C4551965, MONDO:0054560, OMIM 607095.
Metaphyseal dysplasia without hypotrichosis. Also called: Metaphyseal Dysplasia without Hypotrichosis (MDWH); CARTILAGE-HAIR HYPOPLASIA VARIANT, SKELETAL MANIFESTATIONS ONLY; CARTILAGE-HAIR HYPOPLASIA-LIKE SKELETAL DYSPLASIA WITHOUT HYPOTRICHOSIS OR IMMUNODEFICIENCY. Identifiers: MedGen C1834821, MONDO:0009601, OMIM 250460.
Metaphyseal chondrodysplasia, McKusick type (CHH). Also called: Cartilage-hair hypoplasia; Cartilage-Hair Hypoplasia (CHH). Identifiers: Orphanet 175, MedGen C0220748, MONDO:0009595, OMIM 250250.

Submissions (5):

Labcorp Genetics (formerly Invitae), Labcorp
Classification: Uncertain significance for Anauxetic dysplasia. Last evaluated: 2026-01-07. Review status: criteria provided, single submitter. Criteria: Invitae Variant Classification Sherloc (09022015). Collection method: clinical testing. Allele origin: germline.
Comment: This variant occurs in the RMRP gene, which encodes an RNA molecule that does not result in a protein product. This variant is present in population databases (no rsID available, gnomAD 0.05%). This variant has not been reported in the literature in individuals affected with RMRP-related conditions. ClinVar contains an entry for this variant (Variation ID: 550929). Experimental studies and prediction algorithms are not available or were not evaluated, and the functional significance of this variant is currently unknown. In summary, the available evidence is currently insufficient to determine the role of this variant in disease. Therefore, it has been classified as a Variant of Uncertain Significance.

Blueprint Genetics
Classification: Uncertain significance. Last evaluated: 2024-09-20. Review status: criteria provided, single submitter. Criteria: ACMG Guidelines, 2015. Collection method: clinical testing. Allele origin: germline.

Fulgent Genetics
Classification: Uncertain significance for Metaphyseal chondrodysplasia, McKusick type; Metaphyseal dysplasia without hypotrichosis; Anauxetic dysplasia 1. Last evaluated: 2022-05-04. Review status: criteria provided, single submitter. Criteria: ACMG Guidelines, 2015. Collection method: clinical testing. Allele origin: unknown.

Natera, Inc.
Classification: Uncertain significance for Cartilage-hair hypoplasia. Last evaluated: 2020-01-17. Review status: no assertion criteria provided. Collection method: clinical testing. Allele origin: germline. Not counted in ClinVar's aggregate classification.

Counsyl
Classification: Uncertain significance for Metaphyseal chondrodysplasia, McKusick type. Last evaluated: 2017-03-01. Review status: no assertion criteria provided. Collection method: clinical testing. Allele origin: unknown. Not counted in ClinVar's aggregate classification.